The following is an entry in ClinVar:

NM_001134793.2(HYLS1):c.-25-3733G>T

Genes: HYLS1 (HYLS1 centriolar and ciliogenesis associated; plus strand), PUS3 (pseudouridine synthase 3; minus strand). Cytogenetic location: 11q24.2.
Variant type: single nucleotide variant.
Coding change: c.-25-3733G>T on transcript NM_001134793.2 (MANE Select); 3733 bases into the intron before 25 bases upstream of the start codon, G replaced by T.
Molecular consequence: intron variant. On other transcripts: 5 prime UTR variant (1), missense variant (1).
Genome position (GRCh38, 1-based): chr11:125,895,611, G>T. VCF-style: chr11-125895611-G-T. GRCh37 (hg19) VCF-style: chr11-125765506-G-T.
Other names: c.-68C>A (NM_001271985.2); c.557C>A, p.Ala186Asp (NM_031307.4); c.-80-3493G>T (NM_145014.3); c.-22-3736G>T (NM_001424364.1, NM_001377270.1); c.-25-3733G>T (NM_001377269.1); short protein forms A186D.
Identifiers: ClinVar variation 1315247 (VCV001315247.2), dbSNP rs2134244840, ClinGen allele CA383199072.
Genomic context (GRCh38, chr11:125,895,611, plus strand): 5'-ATATCTAAATCAGCACGAGGGAAAAAATAGCGGTAAGTCCGCTCAAGGCAGCTGAACCTA[G>T]CACTGAAGCTTGGTTCTACAGGGGCCCAGGCCAATATACGGATGTCTGGAGGGAGTACCC-3'

ClinVar aggregate classification (germline): Uncertain significance (1 of 4 stars; one submission).

Submission:

GeneDx
Classification: Uncertain significance. Last evaluated: 2020-02-29. Review status: criteria provided, single submitter. Criteria: GeneDx Variant Classification Process June 2021. Collection method: clinical testing. Allele origin: germline. Affected: yes.
Comment: Not observed in large population cohorts (Lek et al., 2016); In silico analysis supports that this missense variant has a deleterious effect on protein structure/function; Has not been previously published as pathogenic or benign to our knowledge